The following is an entry in ClinVar:

ClinVar aggregate classification (germline): Uncertain significance (1 of 4 stars; one submission).

Submission:

Labcorp Genetics (formerly Invitae), Labcorp
Classification: Uncertain significance. Last evaluated: 2025-10-26. Review status: criteria provided, single submitter. Criteria: Invitae Variant Classification Sherloc (09022015). Collection method: clinical testing. Allele origin: germline.
Comment: This sequence change replaces aspartic acid, which is acidic and polar, with histidine, which is basic and polar, at codon 526 of the PLEKHG2 protein (p.Asp526His). Information on the frequency of this variant in the gnomAD database is not available, as this variant may be reported differently in the database. This variant has not been reported in the literature in individuals affected with PLEKHG2-related conditions. Experimental studies and prediction algorithms are not available or were not evaluated, and the functional significance of this variant is currently unknown. In summary, the available evidence is currently insufficient to determine the role of this variant in disease. Therefore, it has been classified as a Variant of Uncertain Significance.

NM_022835.3(PLEKHG2):c.1575_1576delinsAC (p.Asp526His)

Gene: PLEKHG2 (pleckstrin homology and RhoGEF domain containing G2; plus strand). Cytogenetic location: 19q13.2.
Variant type: Indel.
Coding change: c.1575_1576delinsAC on transcript NM_022835.3 (MANE Select); coding-DNA positions 1575 to 1576, GG replaced by AC.
Protein change: p.Asp526His; replaces aspartic acid 526 with histidine.
Molecular consequence: missense variant.
Genome position (GRCh38, 1-based): chr19:39,422,186-39,422,187, GG replaced by AC. VCF-style: chr19-39422186-GG-AC. GRCh37 (hg19) VCF-style: chr19-39912826-GG-AC.
Other names: c.1398_1399delinsAC, p.Asp467His (NM_001351693.2); c.1575_1576delinsAC, p.Asp526His (NM_001351694.2); short protein forms D467H, D526H.
Identifiers: ClinVar variation 4729583 (VCV004729583.1).